The following is an entry in ClinVar:

ClinVar aggregate classification (germline): Uncertain significance (1 of 4 stars; one submission).

Submission:

Labcorp Genetics (formerly Invitae), Labcorp
Classification: Uncertain significance. Last evaluated: 2024-12-02. Review status: criteria provided, single submitter. Criteria: Invitae Variant Classification Sherloc (09022015). Collection method: clinical testing. Allele origin: germline.
Comment: This sequence change replaces glutamic acid, which is acidic and polar, with lysine, which is basic and polar, at codon 567 of the SLC1A2 protein (p.Glu567Lys). This variant is not present in population databases (gnomAD no frequency). This variant has not been reported in the literature in individuals affected with SLC1A2-related conditions. ClinVar contains an entry for this variant (Variation ID: 2129360). An algorithm developed to predict the effect of missense changes on protein structure and function (PolyPhen-2) suggests that this variant is likely to be tolerated. In summary, the available evidence is currently insufficient to determine the role of this variant in disease. Therefore, it has been classified as a Variant of Uncertain Significance.

NM_004171.4(SLC1A2):c.1699G>A (p.Glu567Lys)

Gene: SLC1A2 (solute carrier family 1 member 2; minus strand). Cytogenetic location: 11p13.
Variant type: single nucleotide variant.
Coding change: c.1699G>A on transcript NM_004171.4 (MANE Select); coding-DNA position 1699, G replaced by A.
Protein change: p.Glu567Lys; replaces glutamic acid 567 with lysine.
Molecular consequence: missense variant.
Genome position (GRCh38, 1-based): chr11:35,260,920, C>T on the plus strand (G>A on the coding strand, the complement: SLC1A2 is on the minus strand). VCF-style: chr11-35260920-C-T. GRCh37 (hg19) VCF-style: chr11-35282467-C-T.
Other names: c.1672G>A, p.Glu558Lys (NM_001195728.3, NM_001252652.2); short protein forms E558K, E567K.
Identifiers: ClinVar variation 2129360 (VCV002129360.4), dbSNP rs2497581339, ClinGen allele CA380124672.